The following is an entry in ClinVar:

ClinVar aggregate classification (germline): Uncertain significance (1 of 4 stars; one submission).

Submission:

Ambry Genetics
Classification: Uncertain significance. Last evaluated: 2026-07-08. Review status: criteria provided, single submitter. Criteria: Ambry Variant Classification Scheme 2023. Collection method: clinical testing. Allele origin: germline.
Comment: The c.184A>G (p.I62V) alteration is located in exon 2 (coding exon 2) of the YIPF6 gene. This alteration results from a A to G substitution at nucleotide position 184, causing the isoleucine (I) at amino acid position 62 to be replaced by a valine (V). Based on data from gnomAD, the G allele has an overall frequency of 0.005% (1/21965) total alleles studied. The highest observed frequency was 0.009% (1/10862) of European (non-Finnish) alleles. Based on insufficient or conflicting evidence, the clinical significance of this alteration remains unclear.

NM_173834.4(YIPF6):c.184A>G (p.Ile62Val)

Gene: YIPF6 (Yip1 domain family member 6; plus strand). Cytogenetic location: Xq13.1.
Variant type: single nucleotide variant.
Coding change: c.184A>G on transcript NM_173834.4 (MANE Select); coding-DNA position 184, A replaced by G.
Protein change: p.Ile62Val; replaces isoleucine 62 with valine.
Molecular consequence: missense variant. On other transcripts: intron variant (1).
Genome position (GRCh38, 1-based): chrX:68,511,975, A>G. VCF-style: chrX-68511975-A-G. GRCh37 (hg19) VCF-style: chrX-67731817-A-G.
Other names: c.58-1352A>G (NM_001195214.2); short protein forms I62V.
Identifiers: ClinVar variation 5032100 (VCV005032100.1).